The following is an entry in ClinVar:

NM_004444.5(EPHB4):c.411+2T>C

Gene: EPHB4 (EPH receptor B4; minus strand). Cytogenetic location: 7q22.1.
Variant type: single nucleotide variant.
Coding change: c.411+2T>C on transcript NM_004444.5 (MANE Select); the canonical splice donor site of the intron after coding-DNA position 411, T replaced by C.
Molecular consequence: splice donor variant.
Genome position (GRCh38, 1-based): chr7:100,823,642, A>G on the plus strand (T>C on the coding strand, the complement: EPHB4 is on the minus strand). VCF-style: chr7-100823642-A-G. GRCh37 (hg19) VCF-style: chr7-100421264-A-G.
Identifiers: ClinVar variation 4291733 (VCV004291733.1).

ClinVar aggregate classification (germline): Likely pathogenic (1 of 4 stars; one submission).

Conditions:
Capillary malformation-arteriovenous malformation 2 (CMAVM2). Identifiers: Orphanet 693912, MedGen C4748670, MONDO:0020785, OMIM 618196.

Submission:

3billion
Classification: Likely pathogenic for Capillary malformation-arteriovenous malformation 2. Last evaluated: 2024-06-27. Review status: criteria provided, single submitter. Criteria: ACMG Guidelines, 2015. Collection method: clinical testing. Allele origin: germline. Affected: yes.
Comment: The variant is not observed in the gnomAD v4.0.0 dataset. Predicted Consequence/Location: Canonical splice site: predicted to alter splicing and result in a loss or disruption of normal protein function. Multiple pathogenic loss-of-function variants are reported downstream of the variant. Therefore, this variant is classified as Likely pathogenic according to the recommendation of ACMG/AMP guideline.